The following is an entry in ClinVar:

NM_001080467.3(MYO5B):c.4481C>T (p.Ser1494Leu)

Genes: MYO5B (myosin VB; minus strand), SNHG22 (small nucleolar RNA host gene 22; plus strand). Cytogenetic location: 18q21.1.
Variant type: single nucleotide variant.
Coding change: c.4481C>T on transcript NM_001080467.3 (MANE Select); coding-DNA position 4481, C replaced by T.
Protein change: p.Ser1494Leu; replaces serine 1494 with leucine.
Molecular consequence: missense variant.
Genome position (GRCh38, 1-based): chr18:49,843,371, G>A on the plus strand (C>T on the coding strand, the complement: MYO5B is on the minus strand). VCF-style: chr18-49843371-G-A. GRCh37 (hg19) VCF-style: chr18-47369741-G-A.
Other names: short protein forms S1494L.
Identifiers: ClinVar variation 711603 (VCV000711603.39), dbSNP rs139632666, ClinGen allele CA8960341.

ClinVar aggregate classification (germline): Benign/Likely benign. Review status: criteria provided, multiple submitters, no conflicts (2 of 4 stars). 6 submissions from 6 submitters: Benign (1); Likely benign (4). 1 of the submissions does not count toward it. Last evaluated 2026-01-24.

Conditions:
MYO5B-related disorder. Also called: MYO5B-related condition.
Cholestasis, progressive familial intrahepatic, 10 (PFIC10). Identifiers: MedGen C5676981, MONDO:0030810, OMIM 619868.
Congenital microvillous atrophy (DIAR2). Also called: CONGENITAL FAMILIAL PROTRACTED DIARRHEA WITH ENTEROCYTE BRUSH-BORDER ABNORMALITIES; DAVIDSON DISEASE; Microvillus inclusion disease; Diarrhea 2 with microvillus atrophy, with or without cholestasis; MICROVILLUS ATROPHY, CONGENITAL. Identifiers: Orphanet 2290, MedGen C0341306, MONDO:0009635, OMIM 251850.

Allele frequency attached by ClinVar (database versions not stated): gnomAD exomes 0.00014 and 0.00030; ExAC 0.00037; ESP Exome Variant Server 0.00120; gnomAD 0.00126 and 0.00202; 1000 Genomes Project 0.00200; TOPMed 0.00230; 1000 Genomes Project 30x 0.00250.
gnomAD v4.1: 519 of 1,614,174 alleles (0.032%); highest among the groups gnomAD compares: African/African-American, 0.44%; 12 homozygotes.

Submissions (6):

Labcorp Genetics (formerly Invitae), Labcorp
Classification: Benign. Last evaluated: 2026-01-24. Review status: criteria provided, single submitter. Criteria: Invitae Variant Classification Sherloc (09022015). Collection method: clinical testing. Allele origin: germline.

CeGaT Center for Human Genetics Tuebingen
Classification: Likely benign. Last evaluated: 2023-03-01. Review status: criteria provided, single submitter. Criteria: CeGaT Center For Human Genetics Tuebingen Variant Classification Criteria Version 2. Collection method: clinical testing. Allele origin: germline. Affected: yes. Observed: 1 variant allele.
Comment: MYO5B: BP4, BS2

Fulgent Genetics
Classification: Likely benign for Congenital microvillous atrophy; Cholestasis, progressive familial intrahepatic, 10. Last evaluated: 2022-02-23. Review status: criteria provided, single submitter. Criteria: ACMG Guidelines, 2015. Collection method: clinical testing. Allele origin: unknown.

Illumina Laboratory Services, Illumina
Classification: Likely benign for Congenital microvillous atrophy. Last evaluated: 2018-01-12. Review status: criteria provided, single submitter. Criteria: ICSL Variant Classification Criteria 13 December 2019. Collection method: clinical testing. Allele origin: germline.
Comment: This variant was observed in the ICSL laboratory as part of a predisposition screen in an ostensibly healthy population. It had not been previously curated by ICSL or reported in the Human Gene Mutation Database (HGMD: prior to June 1st, 2018), and was therefore a candidate for classification through an automated scoring system. Utilizing variant allele frequency, disease prevalence and penetrance estimates, and inheritance mode, an automated score was calculated to assess if this variant is too frequent to cause the disease. Based on the score and internal cut-off values, a variant classified as likely benign is not then subjected to further curation. The score for this variant resulted in a classification of likely benign for this disease.

Breakthrough Genomics
Classification: Likely benign. Review status: criteria provided, single submitter. Criteria: ACMG Guidelines, 2015. Collection method: not provided. Allele origin: germline. Inheritance: Autosomal recessive inheritance. Affected: yes.

PreventionGenetics, part of Exact Sciences
Classification: Likely benign for MYO5B-related condition. Last evaluated: 2022-03-23. Review status: no assertion criteria provided. Collection method: clinical testing. Allele origin: germline. Not counted in ClinVar's aggregate classification.
Comment: This variant is classified as likely benign based on ACMG/AMP sequence variant interpretation guidelines (Richards et al. 2015 PMID: 25741868, with internal and published modifications).